The following is an entry in ClinVar:

NM_015166.4(MLC1):c.848del (p.Ile283fs)

Gene: MLC1 (modulator of VRAC current 1; minus strand). Cytogenetic location: 22q13.33.
Variant type: Deletion.
Coding change: c.848del on transcript NM_015166.4 (MANE Select); coding-DNA position 848, one base deleted (T; older notation c.848delT).
Protein change: p.Ile283fs; shifts the reading frame from isoleucine 283.
Molecular consequence: frameshift variant. On other transcripts: non-coding transcript variant (3).
Genome position (GRCh38, 1-based): chr22:50,068,479, A deleted on the plus strand (T on the coding strand, the reverse complement: MLC1 is on the minus strand). VCF-style (leftmost placement, unchanged base first): chr22-50068478-GA-G. GRCh37 (hg19) VCF-style: chr22-50506907-GA-G.
Other names: c.848del, p.Ile283fs (NM_001376472.1, NM_001376473.1, NM_001376474.1 and 5 more transcripts); c.791del, p.Ile264fs (NM_001376479.1); c.758del, p.Ile253fs (NM_001376480.1); c.746del, p.Ile249fs (NM_001376481.1); c.692del, p.Ile231fs (NM_001376482.1, NM_001376483.1); c.611del, p.Ile204fs (NM_001376484.1); short protein forms I204fs, I231fs, I249fs, I253fs, I264fs, I283fs.
Identifiers: ClinVar variation 1725466 (VCV001725466.2), dbSNP rs2518488096, ClinGen allele CA2580099905.

ClinVar aggregate classification (germline): Likely pathogenic (1 of 4 stars; one submission).

Conditions:
Megalencephalic leukoencephalopathy with subcortical cysts 1 (MLC1). Also called: LEUKOENCEPHALOPATHY WITH SWELLING AND CYSTS; VACUOLATING MEGALENCEPHALIC LEUKOENCEPHALOPATHY WITH SUBCORTICAL CYSTS. Identifiers: Orphanet 2478, MedGen C5779875, MONDO:0024555, OMIM 604004.

Submission:

Myriad Genetics, Inc.
Classification: Likely pathogenic for Megalencephalic leukoencephalopathy with subcortical cysts 1. Last evaluated: 2022-03-25. Review status: criteria provided, single submitter. Criteria: Myriad Women's Health Autosomal Recessive and X-Linked Classification Criteria (2021). Collection method: clinical testing. Allele origin: unknown.
Comment: NM_015166.3(MLC1):c.848delT(I283Tfs*2) is expected to be pathogenic in the context of megalencephalic leukoencephalopathy with subcortical cysts. This variant is predicted to lead to an abnormal or absent protein product due to the creation of a premature termination codon in MLC1, a gene where loss-of-function variants are known to be pathogenic. Please note: this variant was assessed in the context of healthy population screening.